The following is an entry in ClinVar:

NM_006642.5(SDCCAG8):c.944T>C (p.Leu315Ser)

Gene: SDCCAG8 (SHH signaling and ciliogenesis regulator SDCCAG8; plus strand). Cytogenetic location: 1q43.
Variant type: single nucleotide variant.
Coding change: c.944T>C on transcript NM_006642.5 (MANE Select); coding-DNA position 944, T replaced by C.
Protein change: p.Leu315Ser; replaces leucine 315 with serine.
Molecular consequence: missense variant.
Genome position (GRCh38, 1-based): chr1:243,316,769, T>C. VCF-style: chr1-243316769-T-C. GRCh37 (hg19) VCF-style: chr1-243480071-T-C.
Other names: c.41T>C, p.Leu14Ser (NM_001350246.2, NM_001350247.2, NM_001350251.2); c.1040T>C, p.Leu347Ser (NM_001350248.2); c.650T>C, p.Leu217Ser (NM_001350249.2); short protein forms L217S, L14S, L347S, L315S.
Identifiers: ClinVar variation 951714 (VCV000951714.13), dbSNP rs200294385, ClinGen allele CA1483497.
Genomic context (GRCh38, chr1:243,316,769, plus strand): 5'-ATCGTTTGATCATTTCTTGTTTTGAATGTTCTTTTTGTGCTGACAGAGAAAGAGATGACT[T>C]GATGTCTGCACTAGTTTCCGTAAGGAGCAGCTTGGCAGATACGCAGCAAAGAGAAGCAAG-3'
Protein context (NP_006633.1, residues 305-325): IERLVKERDD[Leu315Ser]MSALVSVRSS

ClinVar aggregate classification (germline): Uncertain significance. Review status: criteria provided, multiple submitters, no conflicts (2 of 4 stars). 5 submissions from 5 submitters: Uncertain significance (5). Last evaluated 2026-06-04.

Conditions:
Senior-Loken syndrome 7 (SLSN7). Identifiers: Orphanet 3156, MedGen C3150877, MONDO:0013326, OMIM 613615.
Bardet-Biedl syndrome 16 (BBS16). Identifiers: Orphanet 110, MedGen C3889474, MONDO:0014444, OMIM 615993.
SDCCAG8-related disorder. Also called: SDCCAG8-Related Disorders; SDCCAG8-related condition.

Allele frequency attached by ClinVar (database versions not stated): gnomAD exomes 0.00012 and 0.00005; ExAC 0.00004; ESP Exome Variant Server 0.00008; gnomAD 0.00009; TOPMed 0.00010.
gnomAD v4.1: 183 of 1,614,062 alleles (0.011%); highest among the groups gnomAD compares: Non-Finnish European, 0.015%; no homozygotes.

Submissions (5):

PreventionGenetics, part of Exact Sciences
Classification: Uncertain significance for SDCCAG8-related condition. Last evaluated: 2026-06-04. Review status: criteria provided, single submitter. Criteria: ACMG Guidelines, 2015. Collection method: clinical testing. Allele origin: germline.
Comment: The SDCCAG8 c.944T>C variant is predicted to result in the amino acid substitution p.Leu315Ser. To our knowledge, this variant has not been reported in the literature. This variant is reported in 0.012% of alleles in individuals of European (non-Finnish) descent in gnomAD. At this time, the clinical significance of this variant is uncertain due to the absence of conclusive functional and genetic evidence.

Labcorp Genetics (formerly Invitae), Labcorp
Classification: Uncertain significance for Bardet-Biedl syndrome 16; Senior-Loken syndrome 7. Last evaluated: 2024-11-18. Review status: criteria provided, single submitter. Criteria: Invitae Variant Classification Sherloc (09022015). Collection method: clinical testing. Allele origin: germline.
Comment: This sequence change replaces leucine, which is neutral and non-polar, with serine, which is neutral and polar, at codon 315 of the SDCCAG8 protein (p.Leu315Ser). This variant is present in population databases (rs200294385, gnomAD 0.01%). This variant has not been reported in the literature in individuals affected with SDCCAG8-related conditions. ClinVar contains an entry for this variant (Variation ID: 951714). Invitae Evidence Modeling of protein sequence and biophysical properties (such as structural, functional, and spatial information, amino acid conservation, physicochemical variation, residue mobility, and thermodynamic stability) has been performed for this missense variant. However, the output from this modeling did not meet the statistical confidence thresholds required to predict the impact of this variant on SDCCAG8 protein function. In summary, the available evidence is currently insufficient to determine the role of this variant in disease. Therefore, it has been classified as a Variant of Uncertain Significance.

Fulgent Genetics
Classification: Uncertain significance for Senior-Loken syndrome 7; Bardet-Biedl syndrome 16. Last evaluated: 2024-05-24. Review status: criteria provided, single submitter. Criteria: ACMG Guidelines, 2015. Collection method: clinical testing. Allele origin: germline.

Blueprint Genetics
Classification: Uncertain significance. Last evaluated: 2024-01-22. Review status: criteria provided, single submitter. Criteria: ACMG Guidelines, 2015. Collection method: clinical testing. Allele origin: germline.

Victorian Clinical Genetics Services, Murdoch Childrens Research Institute
Classification: Uncertain significance for Bardet-Biedl syndrome 16. Last evaluated: 2022-02-02. Review status: criteria provided, single submitter. Criteria: ACMG Guidelines, 2015. Collection method: clinical testing. Allele origin: germline. Inheritance: Autosomal recessive inheritance. Affected: yes.
Comment: Based on the classification scheme VCGS_Germline_v1.3.4, this variant is classified as VUS-3B. Following criteria are met: 0102 - Loss of function is a known mechanism of disease in this gene and is associated with Bardet-Biedl syndrome 16 (MIM#615993) and Senior-Loken syndrome 7 (MIM#613615). (I) 0106 - This gene is associated with autosomal recessive disease. (I) 0200 - Variant is predicted to result in a missense amino acid change from leucine to serine. (I) 0251 - This variant is heterozygous. (I) 0304 - Variant is present in gnomAD <0.01 for a recessive condition (v2: 16 heterozygotes, 0 homozygotes). (SP) 0502 - Missense variant with conflicting in silico predictions and uninformative conservation. (I) 0600 - Variant is located in the annotated CCCAP domain (DECIPHER, NCBI) (I) 0705 - No comparable missense variants have previous evidence for pathogenicity. (I) 0809 - Previous evidence of pathogenicity for this variant is inconclusive. It has been reported once as a variant of uncertain significance by a diagnostic laboratory in ClinVar. (I) 0905 - No published segregation evidence has been identified for this variant. (I) 1007 - No published functional evidence has been identified for this variant. (I) Legend: (SP) - Supporting pathogenic, (I) - Information, (SB) - Supporting benign